The following is an entry in ClinVar:

ClinVar aggregate classification (germline): Likely pathogenic (1 of 4 stars; one submission).

Conditions:
Kleefstra syndrome 2 (KLEFS2). Identifiers: MedGen C4540395, MONDO:0054701, OMIM 617768.

Submission:

MVZ Medizinische Genetik Mainz
Classification: Likely pathogenic for Kleefstra syndrome 2. Last evaluated: 2022-04-01. Review status: criteria provided, single submitter. Criteria: UK Practice Guidelines For Variant Classification V4 01 2020. Collection method: clinical testing. Allele origin: germline. Inheritance: Autosomal dominant inheritance. Affected: yes. Observed: 1 variant allele.
Comment: ACMG Criteria: PVS1, PM2_SUP

NM_170606.3(KMT2C):c.12646_12653del (p.Asp4216fs)

Gene: KMT2C (lysine methyltransferase 2C; minus strand). Cytogenetic location: 7q36.1.
Variant type: Deletion.
Coding change: c.12646_12653del on transcript NM_170606.3 (MANE Select); coding-DNA positions 12646 to 12653, 8 bases deleted (GATCTGAC; older notation c.12646_12653delGATCTGAC).
Protein change: p.Asp4216fs; shifts the reading frame from aspartic acid 4216.
Molecular consequence: frameshift variant.
Genome position (GRCh38, 1-based): chr7:152,151,455-152,151,462, GTCAGATC deleted on the plus strand (GATCTGAC on the coding strand, the reverse complement: KMT2C is on the minus strand). VCF-style (leftmost placement, unchanged base first): chr7-152151454-GGTCAGATC-G. GRCh37 (hg19) VCF-style: chr7-151848539-GGTCAGATC-G.
Other names: short protein forms D4216fs.
Identifiers: ClinVar variation 3068390 (VCV003068390.1), dbSNP rs2487614749, ClinGen allele CA2825001565.